The following is an entry in ClinVar:

ClinVar aggregate classification (germline): Uncertain significance (1 of 4 stars; one submission).

Conditions:
NCOA1-related disorder. Also called: NCOA1-related condition.

gnomAD v4.1: 2 of 1,461,584 alleles (0.00014%); no homozygotes.

Submission:

PreventionGenetics, part of Exact Sciences
Classification: Uncertain significance for NCOA1-related condition. Last evaluated: 2024-12-13. Review status: criteria provided, single submitter. Criteria: ACMG Guidelines, 2015. Collection method: clinical testing. Allele origin: germline.
Comment: The NCOA1 c.249G>A variant is predicted to result in the amino acid substitution p.Met83Ile. To our knowledge, this variant has not been reported in the literature or in a large population database (gnomAD), indicating this variant is rare. At this time, the clinical significance of this variant is uncertain due to the absence of conclusive functional and genetic evidence.

NM_003743.5(NCOA1):c.249G>A (p.Met83Ile)

Gene: NCOA1 (nuclear receptor coactivator 1; plus strand). Cytogenetic location: 2p23.3.
Variant type: single nucleotide variant.
Coding change: c.249G>A on transcript NM_003743.5 (MANE Select); coding-DNA position 249, G replaced by A.
Protein change: p.Met83Ile; replaces methionine 83 with isoleucine.
Molecular consequence: missense variant.
Genome position (GRCh38, 1-based): chr2:24,665,908, G>A. VCF-style: chr2-24665908-G-A. GRCh37 (hg19) VCF-style: chr2-24888777-G-A.
Other names: c.249G>A, p.Met83Ile (NM_001362950.1, NM_001362952.1, NM_001362954.1 and 3 more transcripts); short protein forms M83I.
Identifiers: ClinVar variation 5001989 (VCV005001989.1).